The following is an entry in ClinVar:

ClinVar aggregate classification (germline): Likely benign (1 of 4 stars; one submission).

Conditions:
PLXNA3-related disorder. Also called: PLXNA3-related condition.

gnomAD v4.1: 61 of 1,211,525 alleles (0.005%); highest among the groups gnomAD compares: East Asian, 0.18%; no homozygotes.

Submission:

PreventionGenetics, part of Exact Sciences
Classification: Likely benign for PLXNA3-related condition. Last evaluated: 2025-08-22. Review status: criteria provided, single submitter. Criteria: ACMG Guidelines, 2015. Collection method: clinical testing. Allele origin: germline.
Comment: This variant is classified as likely benign based on ACMG/AMP sequence variant interpretation guidelines (Richards et al. 2015 PMID: 25741868, with internal and published modifications).

NM_017514.5(PLXNA3):c.838A>G (p.Ile280Val)

Gene: PLXNA3 (plexin A3; plus strand). Cytogenetic location: Xq28.
Variant type: single nucleotide variant.
Coding change: c.838A>G on transcript NM_017514.5 (MANE Select); coding-DNA position 838, A replaced by G.
Protein change: p.Ile280Val; replaces isoleucine 280 with valine.
Molecular consequence: missense variant.
Genome position (GRCh38, 1-based): chrX:154,461,342, A>G. VCF-style: chrX-154461342-A-G. GRCh37 (hg19) VCF-style: chrX-153689682-A-G.
Other names: short protein forms I280V.
Identifiers: ClinVar variation 4983535 (VCV004983535.1).
Genomic context (GRCh38, chrX:154,461,342, plus strand): 5'-TCCAAGATCGTGCGCATGTGCGCGGGAGACTCAGAGTTCTACTCATACGTGGAATTCCCC[A>G]TCGGCTGCTCCTGGCGCGGCGTGGAGTACCGCTTGGTGCAGAGCGCCCACCTGGCCAAGC-3'
Protein context (NP_059984.3, residues 270-290): SEFYSYVEFP[Ile280Val]GCSWRGVEYR